The following is an entry in ClinVar:

ClinVar aggregate classification (germline): Uncertain significance. Review status: criteria provided, multiple submitters, no conflicts (2 of 4 stars). 4 submissions from 4 submitters: Uncertain significance (4). Last evaluated 2024-12-23.

Conditions:
Epidermolysis bullosa simplex 5B, with muscular dystrophy (EBS5B). Also called: EPIDERMOLYSIS BULLOSA SIMPLEX AND LIMB-GIRDLE MUSCULAR DYSTROPHY; Epidermolysis bullosa simplex with muscular dystrophy. Identifiers: Orphanet 257, MedGen C2931072, MONDO:0009181, OMIM 226670.
Epidermolysis bullosa simplex, Ogna type (EBS5A). Also called: EPIDERMOLYSIS BULLOSA SIMPLEX 5A, OGNA TYPE; Pidermolysis bullosa simplex 5A, Ogna type. Identifiers: Orphanet 79401, MedGen C0432317, MONDO:0007555, OMIM 131950.
Epidermolysis bullosa simplex 5C, with pyloric atresia (EBS5C). Also called: PLEC1-Related Epidermolysis Bullosa with Pyloric Atresia; PLEC-Related Epidermolysis Bullosa with Pyloric Atresia; Epidermolysis bullosa simplex with pyloric atresia. Identifiers: Orphanet 158684, MedGen C2677349, MONDO:0012807, OMIM 612138.
Epidermolysis bullosa simplex with nail dystrophy (EBS5D). Identifiers: MedGen C4225309, MONDO:0014661, OMIM 616487.
Autosomal recessive limb-girdle muscular dystrophy type 2Q (LGMDR17). Also called: MUSCULAR DYSTROPHY, LIMB-GIRDLE, AUTOSOMAL RECESSIVE 17. Identifiers: Orphanet 254361, MedGen C3150989, MONDO:0013390, OMIM 613723.

Allele frequency attached by ClinVar (database versions not stated): gnomAD exomes 0.00001; TOPMed 0.00002; gnomAD 0.00003.
gnomAD v4.1: 19 of 1,613,280 alleles (0.0012%); highest among the groups gnomAD compares: Middle Eastern, 0.016%; no homozygotes.

Submissions (4):

Labcorp Genetics (formerly Invitae), Labcorp
Classification: Uncertain significance for Autosomal recessive limb-girdle muscular dystrophy type 2Q; Epidermolysis bullosa simplex, Ogna type; Epidermolysis bullosa simplex with nail dystrophy; Epidermolysis bullosa simplex 5C, with pyloric atresia; Epidermolysis bullosa simplex 5B, with muscular dystrophy. Last evaluated: 2024-12-23. Review status: criteria provided, single submitter. Criteria: Invitae Variant Classification Sherloc (09022015). Collection method: clinical testing. Allele origin: germline.
Comment: This sequence change replaces arginine, which is basic and polar, with cysteine, which is neutral and slightly polar, at codon 4036 of the PLEC protein (p.Arg4036Cys). This variant is present in population databases (no rsID available, gnomAD 0.006%). This variant has not been reported in the literature in individuals affected with PLEC-related conditions. ClinVar contains an entry for this variant (Variation ID: 451956). Invitae Evidence Modeling of protein sequence and biophysical properties (such as structural, functional, and spatial information, amino acid conservation, physicochemical variation, residue mobility, and thermodynamic stability) has been performed for this missense variant. However, the output from this modeling did not meet the statistical confidence thresholds required to predict the impact of this variant on PLEC protein function. In summary, the available evidence is currently insufficient to determine the role of this variant in disease. Therefore, it has been classified as a Variant of Uncertain Significance.

Revvity Omics, Revvity
Classification: Uncertain significance. Last evaluated: 2021-07-14. Review status: criteria provided, single submitter. Criteria: ACMG Guidelines, 2015. Collection method: clinical testing. Allele origin: germline.

GeneDx
Classification: Uncertain significance. Last evaluated: 2017-09-13. Review status: criteria provided, single submitter. Criteria: GeneDx Variant Classification (06012015). Collection method: clinical testing. Allele origin: germline. Affected: yes.
Comment: A variant of uncertain significance has been identified in the PLEC gene. The R4036C variant has not been published as a pathogenic variant, nor has it been reported as a benign variant to our knowledge. The R4036C variant is not observed in large population cohorts (Lek et al., 2016; 1000 Genomes Consortium et al., 2015; Exome Variant Server). The R4036C variant is a non-conservative amino acid substitution, which is likely to impact secondary protein structure as these residues differ in polarity, charge, size and/or other properties. This substitution occurs at a position that is conserved across species, and in silico analysis predicts this variant is probably damaging to the protein structure/function. Based on the currently available information, it is unclear whether this variant is a pathogenic variant or a rare benign variant.

Eurofins Ntd Llc (ga)
Classification: Uncertain significance. Last evaluated: 2016-10-12. Review status: criteria provided, single submitter. Criteria: EGL Classification Definitions 2015. Collection method: clinical testing. Allele origin: germline. Observed: 2 variant alleles, 2 heterozygotes.

NM_201384.3(PLEC):c.12025C>T (p.Arg4009Cys)

Gene: PLEC (plectin; minus strand). Cytogenetic location: 8q24.3.
Variant type: single nucleotide variant.
Coding change: c.12025C>T on transcript NM_201384.3 (MANE Select); coding-DNA position 12025, C replaced by T.
Protein change: p.Arg4009Cys; replaces arginine 4009 with cysteine.
Molecular consequence: missense variant.
Genome position (GRCh38, 1-based): chr8:143,917,796, G>A on the plus strand (C>T on the coding strand, the complement: PLEC is on the minus strand). VCF-style: chr8-143917796-G-A. GRCh37 (hg19) VCF-style: chr8-144991964-G-A.
Other names: c.12106C>T, p.Arg4036Cys (NM_000445.5); c.11983C>T, p.Arg3995Cys (NM_201378.4); c.11959C>T, p.Arg3987Cys (NM_201379.3); c.12436C>T, p.Arg4146Cys (NM_201380.4); c.11929C>T, p.Arg3977Cys (NM_201381.3); c.12025C>T, p.Arg4009Cys (NM_201382.4); c.12037C>T, p.Arg4013Cys (NM_201383.3); short protein forms R3977C, R3987C, R3995C, R4009C, R4013C, R4036C, R4146C.
Identifiers: ClinVar variation 451956 (VCV000451956.16), dbSNP rs989279969, ClinGen allele CA187607275.